The following is an entry in ClinVar:

NM_031885.5(BBS2):c.1482G>C (p.Glu494Asp)

Gene: BBS2 (Bardet-Biedl syndrome 2; minus strand). Cytogenetic location: 16q13.
Variant type: single nucleotide variant.
Coding change: c.1482G>C on transcript NM_031885.5 (MANE Select); coding-DNA position 1482, G replaced by C.
Protein change: p.Glu494Asp; replaces glutamic acid 494 with aspartic acid.
Molecular consequence: missense variant. On other transcripts: non-coding transcript variant (5).
Genome position (GRCh38, 1-based): chr16:56,499,823, C>G on the plus strand (G>C on the coding strand, the complement: BBS2 is on the minus strand). VCF-style: chr16-56499823-C-G. GRCh37 (hg19) VCF-style: chr16-56533735-C-G.
Other names: c.1482G>C, p.Glu494Asp (NM_001377456.1); short protein forms E494D.
Identifiers: ClinVar variation 4983531 (VCV004983531.1).

ClinVar aggregate classification (germline): Uncertain significance (1 of 4 stars; one submission).

Conditions:
BBS2-related disorder. Also called: BBS2-related disorders; BBS2-related condition. Identifiers: MedGen CN239228.

gnomAD v4.1: 4 of 1,614,178 alleles (0.00025%); highest among the groups gnomAD compares: Non-Finnish European, 0.00034%; no homozygotes.

Submission:

PreventionGenetics, part of Exact Sciences
Classification: Uncertain significance for BBS2-related condition. Last evaluated: 2025-11-11. Review status: criteria provided, single submitter. Criteria: ACMG Guidelines, 2015. Collection method: clinical testing. Allele origin: germline.
Comment: The BBS2 c.1482G>C variant is predicted to result in the amino acid substitution p.Glu494Asp. To our knowledge, this variant has not been reported in the literature or in a large population database (gnomAD), indicating this variant is rare. At this time, the clinical significance of this variant is uncertain due to the absence of conclusive functional and genetic evidence.